The following is an entry in ClinVar:

NM_001846.4(COL4A2):c.1287_1339+1dup

Gene: COL4A2 (collagen type IV alpha 2 chain; plus strand). Cytogenetic location: 13q34.
Variant type: Duplication.
Coding change: c.1287_1339+1dup on transcript NM_001846.4 (MANE Select); coding-DNA position 1287 through the canonical splice donor site of the intron after coding-DNA position 1339, 54 bases duplicated.
Molecular consequence: splice donor variant.
Genome position (GRCh38, 1-based): chr13:110,450,402-110,450,455, 54 bases duplicated. GRCh37 (hg19): chr13:111,102,749-111,102,802.
Identifiers: ClinVar variation 870806 (VCV000870806.45), dbSNP rs1566539998, ClinGen allele CA612637043.

ClinVar aggregate classification (germline): Conflicting classifications of pathogenicity. Review status: criteria provided, conflicting classifications (1 of 4 stars). 3 submissions from 3 submitters: Likely pathogenic (1); Uncertain significance (2). Last evaluated 2024-01-10.

Submissions (3):

ARUP Laboratories, Molecular Genetics and Genomics, ARUP Laboratories
Classification: Uncertain significance. Last evaluated: 2024-01-10. Review status: criteria provided, single submitter. Criteria: ARUP Molecular Germline Variant Investigation Process 2024. Collection method: clinical testing. Allele origin: germline.

CeGaT Center for Human Genetics Tuebingen
Classification: Uncertain significance. Last evaluated: 2023-05-01. Review status: criteria provided, single submitter. Criteria: CeGaT Center For Human Genetics Tuebingen Variant Classification Criteria Version 2. Collection method: clinical testing. Allele origin: germline. Affected: yes. Observed: 3 variant alleles.
Comment: COL4A2: PM2, PM4

Labcorp Genetics (formerly Invitae), Labcorp
Classification: Likely pathogenic. Last evaluated: 2022-11-15. Review status: criteria provided, single submitter. Criteria: Invitae Variant Classification Sherloc (09022015). Collection method: clinical testing. Allele origin: germline.
Comment: In summary, the currently available evidence indicates that the variant is pathogenic, but additional data are needed to prove that conclusively. Therefore, this variant has been classified as Likely Pathogenic. Experimental studies and prediction algorithms are not available or were not evaluated, and the effect of this variant on mRNA splicing is currently unknown. ClinVar contains an entry for this variant (Variation ID: 870806). This variant has not been reported in the literature in individuals affected with COL4A2-related conditions. This variant is present in population databases (no rsID available, gnomAD 0.002%). This sequence change affects a splice site in intron 20 of the COL4A2 gene. It is expected to disrupt RNA splicing. Variants that disrupt the donor or acceptor splice site typically lead to a loss of protein function (PMID: 16199547), and loss-of-function variants in COL4A2 are known to be pathogenic (PMID: 22333902, 30315939).

Literature cited by the submitters: PubMed 16199547 (cited by Labcorp Genetics (formerly Invitae), Labcorp); PubMed 22333902 (cited by Labcorp Genetics (formerly Invitae), Labcorp); PubMed 30315939 (cited by Labcorp Genetics (formerly Invitae), Labcorp).